The following is an entry in ClinVar:

GRCh38/hg38 22q11.21(chr22:20400132-21151128)x3

Genes: AIFM3 (AIF family member 3; plus strand), CRKL (CRK like proto-oncogene, adaptor protein; plus strand), KLHL22 (kelch like family member 22; minus strand), LINC01637 (long independently transcribed non-coding RNA 1637; plus strand), LRRC74B (leucine rich repeat containing 74B; plus strand) and 59 more. Cytogenetic location: 22q11.21.
Variant type: copy number gain.
Change: copy number 3 (three copies instead of two) of chr22:20,400,132-21,151,128 (751.0 kb, GRCh38 coordinates, 1-based), cytogenetic band 22q11.21.
Identifiers: ClinVar variation 34063 (VCV000034063.3).

ClinVar aggregate classification (germline): Uncertain significance. Review status: no assertion criteria provided (0 of 4 stars). 2 submissions from 1 submitter: Uncertain significance (1). 1 of the submissions does not count toward it. Last evaluated 2010-01-30.

Submissions (2):

ISCA site 4
Classification: Uncertain significance. Last evaluated: 2010-01-30. Review status: no assertion criteria provided. Collection method: clinical testing. Allele origin: maternal. Affected: yes. Observed: 1 variant allele.

ISCA site 4
Classification: Pathogenic. Last evaluated: 2011-08-12. Review status: flagged submission. Criteria: Kaminsky et al. (Genet Med. 2011). Collection method: clinical testing. Allele origin: unknown. Affected: yes. Observed: 1 variant allele. Not counted in ClinVar's aggregate classification.
Comment: Copy number variation identified through the course of routine clinical cytogenomic testing in postnatal populations. Clinical assertions have been curated as described in Kaminsky et al. 2011.
ClinVar note: Reason: This record appears to be redundant with a more recent record from the same submitter.
ClinVar note: Notes: SCV000190872 appears to be redundant with SCV000175369.